The following is an entry in ClinVar:

ClinVar aggregate classification (germline): Uncertain significance (1 of 4 stars; one submission).

Allele frequency attached by ClinVar (database versions not stated): gnomAD exomes below 0.00001.
gnomAD v4.1: 1 of 1,613,932 alleles (0.000062%); highest among the groups gnomAD compares: Non-Finnish European, 0.000085%; no homozygotes.

Submission:

Laboratory for Molecular Medicine, Mass General Brigham Personalized Medicine
Classification: Uncertain significance. Last evaluated: 2014-08-12. Review status: criteria provided, single submitter. Criteria: LMM Criteria. Collection method: clinical testing. Allele origin: germline. Observed: 1 variant allele.
Comment: The Glu1706Gly variant in TRIOBP has not been previously reported in individuals with hearing loss and was absent from large population studies. Computational p rediction tools and conservation analyses do not provide strong support for or a gainst an impact to the protein. In summary, the clinical significance of the Gl u1706Gly variant is uncertain.

NM_001039141.3(TRIOBP):c.5117A>G (p.Glu1706Gly)

Gene: TRIOBP (TRIO and F-actin binding protein; plus strand). Cytogenetic location: 22q13.1.
Variant type: single nucleotide variant.
Coding change: c.5117A>G on transcript NM_001039141.3 (MANE Select); coding-DNA position 5117, A replaced by G.
Protein change: p.Glu1706Gly; replaces glutamic acid 1706 with glycine.
Molecular consequence: missense variant.
Genome position (GRCh38, 1-based): chr22:37,738,652, A>G. VCF-style: chr22-37738652-A-G. GRCh37 (hg19) VCF-style: chr22-38134659-A-G.
Other names: short protein forms E1706G.
Identifiers: ClinVar variation 165597 (VCV000165597.5), dbSNP rs727503522, ClinGen allele CA178337.